The following is an entry in ClinVar:

NM_194293.4(XIRP1):c.1984G>A (p.Val662Ile)

Gene: XIRP1 (xin actin binding repeat containing 1; minus strand). Cytogenetic location: 3p22.2.
Variant type: single nucleotide variant.
Coding change: c.1984G>A on transcript NM_194293.4 (MANE Select); coding-DNA position 1984, G replaced by A.
Protein change: p.Val662Ile; replaces valine 662 with isoleucine.
Molecular consequence: missense variant. On other transcripts: intron variant (1).
Genome position (GRCh38, 1-based): chr3:39,187,462, C>T on the plus strand (G>A on the coding strand, the complement: XIRP1 is on the minus strand). VCF-style: chr3-39187462-C-T. GRCh37 (hg19) VCF-style: chr3-39228953-C-T.
Other names: c.1984G>A, p.Val662Ile (NM_001198621.4); c.-167-1801G>A (NM_001351377.2); short protein forms V662I.
Identifiers: ClinVar variation 3052526 (VCV003052526.3), dbSNP rs141224373, ClinGen allele CA2326382.

ClinVar aggregate classification (germline): Uncertain significance. Review status: criteria provided, single submitter (1 of 4 stars). 2 submissions from 2 submitters: Uncertain significance (1). 1 of the submissions does not count toward it. Last evaluated 2025-08-11.

Conditions:
XIRP1-related disorder. Also called: XIRP1-related condition.

Allele frequency attached by ClinVar (database versions not stated): gnomAD exomes 0.00009; ExAC 0.00027; 1000 Genomes Project 0.00040; 1000 Genomes Project 30x 0.00047; gnomAD 0.00078; TOPMed 0.00080; ESP Exome Variant Server 0.00092.
gnomAD v4.1: 259 of 1,614,074 alleles (0.016%); highest among the groups gnomAD compares: African/African-American, 0.3%; no homozygotes.

Submissions (2):

Ambry Genetics
Classification: Uncertain significance. Last evaluated: 2025-08-11. Review status: criteria provided, single submitter. Criteria: Ambry Variant Classification Scheme 2023. Collection method: clinical testing. Allele origin: germline.

PreventionGenetics, part of Exact Sciences
Classification: Likely benign for XIRP1-related condition. Last evaluated: 2022-08-02. Review status: no assertion criteria provided. Collection method: clinical testing. Allele origin: germline. Not counted in ClinVar's aggregate classification.
Comment: This variant is classified as likely benign based on ACMG/AMP sequence variant interpretation guidelines (Richards et al. 2015 PMID: 25741868, with internal and published modifications).